The following is an entry in ClinVar:

ClinVar aggregate classification (germline): Benign/Likely benign. Review status: criteria provided, multiple submitters, no conflicts (2 of 4 stars). 6 submissions from 6 submitters: Benign (3); Likely benign (2). 1 of the submissions does not count toward it. Last evaluated 2026-02-01.

Conditions:
Inborn genetic diseases. Identifiers: MedGen C0950123, MeSH D030342.
Intellectual developmental disorder, autosomal recessive 13. Also called: Intellectual disability, autosomal recessive 13. Identifiers: Orphanet 88616, MedGen C2750791, MONDO:0013173, OMIM 613192.

Allele frequency attached by ClinVar (database versions not stated): gnomAD exomes 0.00588; ExAC 0.01711; gnomAD 0.02287 and 0.02434; TOPMed 0.02654; 1000 Genomes Project 0.02716; ESP Exome Variant Server 0.02735; 1000 Genomes Project 30x 0.02889.
gnomAD v4.1: 6,737 of 1,569,350 alleles (0.43%); highest among the groups gnomAD compares: African/African-American, 7.9%; 254 homozygotes.

Submissions (6):

Labcorp Genetics (formerly Invitae), Labcorp
Classification: Benign. Last evaluated: 2026-02-01. Review status: criteria provided, single submitter. Criteria: Invitae Variant Classification Sherloc (09022015). Collection method: clinical testing. Allele origin: germline.

GeneDx
Classification: Benign. Last evaluated: 2018-07-05. Review status: criteria provided, single submitter. Criteria: GeneDx Variant Classification Process June 2021. Collection method: clinical testing. Allele origin: germline. Affected: yes.

Illumina Laboratory Services, Illumina
Classification: Likely benign for Intellectual developmental disorder, autosomal recessive 13. Last evaluated: 2017-04-27. Review status: criteria provided, single submitter. Criteria: ICSL Variant Classification Criteria 13 December 2019. Collection method: clinical testing. Allele origin: germline.
Comment: This variant was observed as part of a predisposition screen in an ostensibly healthy population. A literature search was performed for the gene, cDNA change, and amino acid change (where applicable). No publications were found based on this search. Allele frequency data from public databases allowed determination this variant is unlikely to cause disease. Therefore, this variant is classified as likely benign.

Ambry Genetics
Classification: Benign for Inborn genetic diseases. Last evaluated: 2016-04-18. Review status: criteria provided, single submitter. Criteria: Ambry Variant Classification Scheme 2023. Collection method: clinical testing. Allele origin: germline.

Breakthrough Genomics
Classification: Likely benign. Review status: criteria provided, single submitter. Criteria: ACMG Guidelines, 2015. Collection method: not provided. Allele origin: germline. Inheritance: Autosomal recessive inheritance. Affected: yes.

Genetic Services Laboratory, University of Chicago
Classification: Likely benign for AllHighlyPenetrant. Review status: no assertion criteria provided. Collection method: clinical testing. Allele origin: germline. Inheritance: Autosomal recessive inheritance. Not counted in ClinVar's aggregate classification.
Comment: Likely benign based on allele frequency in 1000 Genomes Project or ESP global frequency and its presence in a patient with a rare or unrelated disease phenotype. NOT Sanger confirmed.

NM_001160372.4(TRAPPC9):c.3279+4C>T

Gene: TRAPPC9 (trafficking protein particle complex subunit 9; minus strand). Cytogenetic location: 8q24.3.
Variant type: single nucleotide variant.
Coding change: c.3279+4C>T on transcript NM_001160372.4 (MANE Select); 4 bases into the intron after coding-DNA position 3279, C replaced by T.
Molecular consequence: intron variant.
Genome position (GRCh38, 1-based): chr8:139,731,975, G>A on the plus strand (C>T on the coding strand, the complement: TRAPPC9 is on the minus strand). VCF-style: chr8-139731975-G-A. GRCh37 (hg19) VCF-style: chr8-140744218-G-A.
Other names: c.3279+4C>T (NM_031466.8); c.3252+4C>T (NM_001321646.2); c.3135+4C>T (NM_001374684.1); c.3168+4C>T (NM_001374683.1); c.3300+4C>T (NM_001374682.1).
Identifiers: ClinVar variation 130633 (VCV000130633.24), dbSNP rs79877357, ClinGen allele CA155787.